The following is an entry in ClinVar:

NM_000371.4(TTR):c.163A>G (p.Lys55Glu)

Gene: TTR (transthyretin; plus strand). Cytogenetic location: 18q12.1.
Variant type: single nucleotide variant.
Coding change: c.163A>G on transcript NM_000371.4 (MANE Select); coding-DNA position 163, A replaced by G.
Protein change: p.Lys55Glu; replaces lysine 55 with glutamic acid.
Molecular consequence: missense variant.
Genome position (GRCh38, 1-based): chr18:31,592,989, A>G. VCF-style: chr18-31592989-A-G. GRCh37 (hg19) VCF-style: chr18-29172952-A-G.
Other names: short protein forms K55E.
Identifiers: ClinVar variation 2051168 (VCV002051168.6), dbSNP rs2510932395, ClinGen allele CA402156806.
Genomic context (GRCh38, chr18:31,592,989, plus strand): 5'-AAAGTTCTAGATGCTGTCCGAGGCAGTCCTGCCATCAATGTGGCCGTGCATGTGTTCAGA[A>G]AGGCTGCTGATGACACCTGGGAGCCATTTGCCTCTGGGTAAGTTGCCAAAGAACCCTCCC-3'
Protein context (NP_000362.1, residues 45-65): AINVAVHVFR[Lys55Glu]AADDTWEPFA

ClinVar aggregate classification (germline): Conflicting classifications of pathogenicity. Review status: criteria provided, conflicting classifications (1 of 4 stars). 2 submissions from 2 submitters: Likely pathogenic (1); Uncertain significance (1). Last evaluated 2023-08-24.

Conditions:
Amyloidosis, hereditary systemic 1 (AMYLD1). Also called: Hereditary Transthyretin Amyloidosis; Familial amyloid polyneuropathy; Transthyretin Amyloidosis; AMYLOID CARDIOMYOPATHY; Hereditary oculoleptomeningeal amyloid angiopathy; Familial Transthyretin Amyloidosis. Identifiers: Orphanet 85447, Orphanet 85451, MedGen C2751492, MONDO:0971004, OMIM 105210.
Cardiovascular phenotype. Identifiers: MedGen CN230736.

Submissions (2):

Ambry Genetics
Classification: Uncertain significance for Cardiovascular phenotype. Last evaluated: 2023-08-24. Review status: criteria provided, single submitter. Criteria: Ambry Variant Classification Scheme 2023. Collection method: clinical testing. Allele origin: germline.
Comment: The p.K55E variant (also known as c.163A>G), located in coding exon 2 of the TTR gene, results from an A to G substitution at nucleotide position 163. The lysine at codon 55 is replaced by glutamic acid, an amino acid with similar properties. This amino acid position is well conserved in available vertebrate species. In addition, the in silico prediction for this alteration is inconclusive. Since supporting evidence is limited at this time, the clinical significance of this alteration remains unclear.

Labcorp Genetics (formerly Invitae), Labcorp
Classification: Likely pathogenic for Amyloidosis, hereditary systemic 1. Last evaluated: 2021-12-21. Review status: criteria provided, single submitter. Criteria: Invitae Variant Classification Sherloc (09022015). Collection method: clinical testing. Allele origin: germline.
Comment: In summary, the currently available evidence indicates that the variant is pathogenic, but additional data are needed to prove that conclusively. Therefore, this variant has been classified as Likely Pathogenic. This variant disrupts the p.Lys55 amino acid residue in TTR. Other variant(s) that disrupt this residue have been determined to be pathogenic (PMID: 16076613, 19467548, 21843040; Invitae). This suggests that this residue is clinically significant, and that variants that disrupt this residue are likely to be disease-causing. Advanced modeling of protein sequence and biophysical properties (such as structural, functional, and spatial information, amino acid conservation, physicochemical variation, residue mobility, and thermodynamic stability) performed at Invitae indicates that this missense variant is expected to disrupt TTR protein function. This variant has not been reported in the literature in individuals affected with TTR-related conditions. This variant is not present in population databases (gnomAD no frequency). This sequence change replaces lysine, which is basic and polar, with glutamic acid, which is acidic and polar, at codon 55 of the TTR protein (p.Lys55Glu).

Literature cited by the submitters: PubMed 16076613 (cited by Labcorp Genetics (formerly Invitae), Labcorp); PubMed 19467548 (cited by Labcorp Genetics (formerly Invitae), Labcorp); PubMed 21843040 (cited by Labcorp Genetics (formerly Invitae), Labcorp).